The following is an entry in ClinVar:

ClinVar aggregate classification (germline): Likely benign (1 of 4 stars; one submission).

gnomAD v4.1: 52 of 1,208,437 alleles (0.0043%); highest among the groups gnomAD compares: Admixed American, 0.022%; no homozygotes.

Submission:

CeGaT Center for Human Genetics Tuebingen
Classification: Likely benign. Last evaluated: 2026-08-01. Review status: criteria provided, single submitter. Criteria: CeGaT Center For Human Genetics Tuebingen Variant Classification Criteria Version 2. Collection method: clinical testing. Allele origin: germline. Affected: yes. Observed: 1 variant allele.
Comment: FRMPD4: BP4, BP7, BS2

NM_001368397.1(FRMPD4):c.2538C>T (p.Pro846=)

Gene: FRMPD4 (FERM and PDZ domain containing 4; plus strand). Cytogenetic location: Xp22.2.
Variant type: single nucleotide variant.
Coding change: c.2538C>T on transcript NM_001368397.1 (MANE Select); coding-DNA position 2538, C replaced by T.
Protein change: p.Pro846=; no amino-acid change (proline 846 retained).
Molecular consequence: synonymous variant.
Genome position (GRCh38, 1-based): chrX:12,716,997, C>T. VCF-style: chrX-12716997-C-T. GRCh37 (hg19) VCF-style: chrX-12735116-C-T.
Other names: c.2649C>T, p.Pro883= (NM_001368395.3, NM_001368398.3); c.2544C>T, p.Pro848= (NM_001368396.3); c.2529C>T, p.Pro843= (NM_001368399.3); c.2418C>T, p.Pro806= (NM_001368400.3); c.2514C>T, p.Pro838= (NM_001368401.1, NM_001368402.3); c.2538C>T, p.Pro846= (NM_014728.3).
Identifiers: ClinVar variation 5039064 (VCV005039064.1).
Genomic context (GRCh38, chrX:12,716,997, plus strand): 5'-GGCAGCTTCCTTCCCCGAGGACAAGGAGAAAGGCAGCAGCCTGCAAAATGATGAGATCCC[C>T]GTGTCCCTCATTGACGCTGTGCCCACCAGCGCCGAAGGCAAGTGTGAGAAGGGACTGGAT-3'
Protein context (NP_001355326.1, residues 836-856): KGSSLQNDEI[Pro846=]VSLIDAVPTS